The following is an entry in ClinVar:

ClinVar aggregate classification (germline): Uncertain significance. Review status: criteria provided, multiple submitters, no conflicts (2 of 4 stars). 2 submissions from 2 submitters: Uncertain significance (2). Last evaluated 2023-10-11.

Conditions:
Hereditary cancer-predisposing syndrome. Also called: Neoplastic Syndromes, Hereditary; Tumor predisposition; Hereditary Cancer Syndrome; Hereditary neoplastic syndrome. Identifiers: Orphanet 140162, MedGen C0027672, MeSH D009386, MONDO:0015356.
Familial adenomatous polyposis 1 (FAP1). Also called: FAMILIAL ADENOMATOUS POLYPOSIS 1, ATTENUATED; POLYPOSIS, ADENOMATOUS INTESTINAL. Identifiers: MedGen C2713442, MONDO:0021056, OMIM 175100. Disease mechanism: loss of function.

Submissions (2):

Labcorp Genetics (formerly Invitae), Labcorp
Classification: Uncertain significance for Familial adenomatous polyposis 1. Last evaluated: 2023-10-11. Review status: criteria provided, single submitter. Criteria: Invitae Variant Classification Sherloc (09022015). Collection method: clinical testing. Allele origin: germline.
Comment: This sequence change replaces glutamic acid, which is acidic and polar, with glycine, which is neutral and non-polar, at codon 135 of the APC protein (p.Glu135Gly). This variant is not present in population databases (gnomAD no frequency). This variant has not been reported in the literature in individuals affected with APC-related conditions. ClinVar contains an entry for this variant (Variation ID: 1737341). Advanced modeling of protein sequence and biophysical properties (such as structural, functional, and spatial information, amino acid conservation, physicochemical variation, residue mobility, and thermodynamic stability) performed at Invitae indicates that this missense variant is not expected to disrupt APC protein function. RNA analysis performed to evaluate the impact of this missense change on mRNA splicing indicates it does not significantly alter splicing (Invitae). In summary, the available evidence is currently insufficient to determine the role of this variant in disease. Therefore, it has been classified as a Variant of Uncertain Significance.

Ambry Genetics
Classification: Uncertain significance for Hereditary cancer-predisposing syndrome. Last evaluated: 2020-02-12. Review status: criteria provided, single submitter. Criteria: Ambry Variant Classification Scheme 2023. Collection method: clinical testing. Allele origin: germline.
Comment: The p.E135G variant (also known as c.404A>G), located in coding exon 3 of the APC gene, results from an A to G substitution at nucleotide position 404. The glutamic acid at codon 135 is replaced by glycine, an amino acid with similar properties. This amino acid position is highly conserved in available vertebrate species. In addition, in silico predictors for this gene do not accurately predict pathogenicity. Since supporting evidence is limited at this time, the clinical significance of this alteration remains unclear.

NM_000038.6(APC):c.404A>G (p.Glu135Gly)

Gene: APC (APC regulator of Wnt signaling pathway; plus strand). Cytogenetic location: 5q22.2.
Variant type: single nucleotide variant.
Coding change: c.404A>G on transcript NM_000038.6 (MANE Select); coding-DNA position 404, A replaced by G.
Protein change: p.Glu135Gly; replaces glutamic acid 135 with glycine.
Molecular consequence: missense variant. On other transcripts: 5 prime UTR variant (1).
Genome position (GRCh38, 1-based): chr5:112,767,372, A>G. VCF-style: chr5-112767372-A-G. GRCh37 (hg19) VCF-style: chr5-112103069-A-G.
Other names: c.404A>G, p.Glu135Gly (NM_001127510.3, NM_001354895.2, NM_001354896.2 and 16 more transcripts); c.434A>G, p.Glu145Gly (NM_001127511.3, NM_001354897.2, NM_001354902.2 and 1 more transcripts); c.329A>G, p.Glu110Gly (NM_001354898.2, NM_001354904.2, NM_001407451.1); c.227A>G, p.Glu76Gly (NM_001354900.2, NM_001354901.2, NM_001354905.2 and 1 more transcripts); c.-632A>G (NM_001354906.2, NM_001407470.1, NM_001407471.1 and 1 more transcripts); short protein forms E135G, E76G, E145G, E110G.
Identifiers: ClinVar variation 1737341 (VCV001737341.5), dbSNP rs2532302233, ClinGen allele CA16022202.
Genomic context (GRCh38, chr5:112,767,372, plus strand): 5'-TGGGTTCATTTCCAAGAAGAGGGTTTGTAAATGGAAGCAGAGAAAGTACTGGATATTTAG[A>G]AGAACTTGAGAAAGAGAGGTAACTTTTCTTCATATAGTAAACATTGCCTTGTGTACTCCA-3'
Protein context (NP_000029.2, residues 125-145): NGSRESTGYL[Glu135Gly]ELEKERSLLL